The following is an entry in ClinVar:

ClinVar aggregate classification (germline): Uncertain significance. Review status: criteria provided, multiple submitters, no conflicts (2 of 4 stars). 2 submissions from 2 submitters: Uncertain significance (2). Last evaluated 2025-04-14.

Allele frequency attached by ClinVar (database versions not stated): TOPMed 0.00003; gnomAD exomes 0.00004; ExAC 0.00005; gnomAD 0.00005.
gnomAD v4.1: 70 of 1,613,484 alleles (0.0043%); highest among the groups gnomAD compares: Middle Eastern, 0.049%; no homozygotes.

Submissions (2):

Ambry Genetics
Classification: Uncertain significance. Last evaluated: 2025-04-14. Review status: criteria provided, single submitter. Criteria: Ambry Variant Classification Scheme 2023. Collection method: clinical testing. Allele origin: germline.

Labcorp Genetics (formerly Invitae), Labcorp
Classification: Uncertain significance. Last evaluated: 2024-04-14. Review status: criteria provided, single submitter. Criteria: Invitae Variant Classification Sherloc (09022015). Collection method: clinical testing. Allele origin: germline.
Comment: This sequence change replaces arginine, which is basic and polar, with tryptophan, which is neutral and slightly polar, at codon 556 of the KIF22 protein (p.Arg556Trp). This variant is present in population databases (rs768381500, gnomAD 0.03%). This variant has not been reported in the literature in individuals affected with KIF22-related conditions. ClinVar contains an entry for this variant (Variation ID: 2171985). Advanced modeling of protein sequence and biophysical properties (such as structural, functional, and spatial information, amino acid conservation, physicochemical variation, residue mobility, and thermodynamic stability) performed at Invitae indicates that this missense variant is not expected to disrupt KIF22 protein function with a negative predictive value of 80%. In summary, the available evidence is currently insufficient to determine the role of this variant in disease. Therefore, it has been classified as a Variant of Uncertain Significance.

NM_007317.3(KIF22):c.1666C>T (p.Arg556Trp)

Gene: KIF22 (kinesin family member 22; plus strand). Cytogenetic location: 16p11.2.
Variant type: single nucleotide variant.
Coding change: c.1666C>T on transcript NM_007317.3 (MANE Select); coding-DNA position 1666, C replaced by T.
Protein change: p.Arg556Trp; replaces arginine 556 with tryptophan.
Molecular consequence: missense variant.
Genome position (GRCh38, 1-based): chr16:29,804,054, C>T. VCF-style: chr16-29804054-C-T. GRCh37 (hg19) VCF-style: chr16-29815375-C-T.
Other names: c.1462C>T, p.Arg488Trp (NM_001256269.2, NM_001256270.1); c.1666C>T (NM_007317.1); short protein forms R488W, R556W.
Identifiers: ClinVar variation 2171985 (VCV002171985.6), dbSNP rs768381500, ClinGen allele CA7993369.